The following is an entry in ClinVar:

NM_018706.7(DHTKD1):c.1846A>C (p.Thr616Pro)

Gene: DHTKD1 (dehydrogenase E1 and transketolase domain containing 1; plus strand). Cytogenetic location: 10p14.
Variant type: single nucleotide variant.
Coding change: c.1846A>C on transcript NM_018706.7 (MANE Select); coding-DNA position 1846, A replaced by C.
Protein change: p.Thr616Pro; replaces threonine 616 with proline.
Molecular consequence: missense variant.
Genome position (GRCh38, 1-based): chr10:12,101,131, A>C. VCF-style: chr10-12101131-A-C. GRCh37 (hg19) VCF-style: chr10-12143130-A-C.
Other names: short protein forms T616P.
Identifiers: ClinVar variation 2083976 (VCV002083976.4), dbSNP rs1186888662, ClinGen allele CA376022695.

ClinVar aggregate classification (germline): Uncertain significance (1 of 4 stars; one submission).

Conditions:
2-aminoadipic 2-oxoadipic aciduria (AAKAD). Also called: Aminoadipic aciduria; ALPHA-AMINOADIPIC AND ALPHA-KETOADIPIC ACIDURIA. Identifiers: Orphanet 79154, MedGen C1859817, MONDO:0008774, OMIM 204750.

Allele frequency attached by ClinVar (database versions not stated): gnomAD 0.00001.
gnomAD v4.1: 15 of 1,613,966 alleles (0.00093%); highest among the groups gnomAD compares: Non-Finnish European, 0.001%; no homozygotes.

Submission:

Labcorp Genetics (formerly Invitae), Labcorp
Classification: Uncertain significance for 2-aminoadipic 2-oxoadipic aciduria. Last evaluated: 2024-06-19. Review status: criteria provided, single submitter. Criteria: Invitae Variant Classification Sherloc (09022015). Collection method: clinical testing. Allele origin: germline.
Comment: This sequence change replaces threonine, which is neutral and polar, with proline, which is neutral and non-polar, at codon 616 of the DHTKD1 protein (p.Thr616Pro). This variant is present in population databases (no rsID available, gnomAD 0.0009%). This variant has not been reported in the literature in individuals affected with DHTKD1-related conditions. ClinVar contains an entry for this variant (Variation ID: 2083976). Advanced modeling of protein sequence and biophysical properties (such as structural, functional, and spatial information, amino acid conservation, physicochemical variation, residue mobility, and thermodynamic stability) performed at Invitae indicates that this missense variant is not expected to disrupt DHTKD1 protein function with a negative predictive value of 80%. In summary, the available evidence is currently insufficient to determine the role of this variant in disease. Therefore, it has been classified as a Variant of Uncertain Significance.